The following is an entry in ClinVar:

ClinVar aggregate classification (germline): Uncertain significance (1 of 4 stars; one submission).

Submission:

Labcorp Genetics (formerly Invitae), Labcorp
Classification: Uncertain significance. Last evaluated: 2022-07-27. Review status: criteria provided, single submitter. Criteria: Invitae Variant Classification Sherloc (09022015). Collection method: clinical testing. Allele origin: germline.
Comment: This variant is a gross deletion of the genomic region encompassing exon(s) 32 of the TTLL5 gene, which includes the termination codon. This deletion extends beyond the assayed region for this gene and therefore may encompass additional genes. While this deletion is not anticipated to lead to nonsense mediated decay, it is expected to alter mRNA translation or result in a truncated protein product. This variant has not been reported in the literature in individuals affected with TTLL5-related conditions. In summary, the available evidence is currently insufficient to determine the role of this variant in disease. Therefore, it has been classified as a Variant of Uncertain Significance.

NC_000014.8:g.(?_76420747)_(76420789_?)del

Gene: TTLL5 (tubulin tyrosine ligase like 5; plus strand). Cytogenetic location: 14q24.3.
Variant type: Deletion.
Identifiers: ClinVar variation 2426060 (VCV002426060.2).